The following is an entry in ClinVar:

ClinVar aggregate classification (germline): Pathogenic (1 of 4 stars; one submission).

Submission:

Labcorp Genetics (formerly Invitae), Labcorp
Classification: Pathogenic. Last evaluated: 2023-12-30. Review status: criteria provided, single submitter. Criteria: Invitae Variant Classification Sherloc (09022015). Collection method: clinical testing. Allele origin: unknown.
Comment: This variant is a gross deletion of the genomic region encompassing exon(s) 5-8 of the DDX3X gene. This deletion is out-of-frame, and is expected to create a premature termination codon and result in an absent or disrupted protein product. Loss-of-function variants in DDX3X are known to be pathogenic (PMID: 26235985). This variant has not been reported in the literature in individuals affected with DDX3X-related conditions. For these reasons, this variant has been classified as Pathogenic.

Literature cited by the submitters: PubMed 26235985.

NC_000023.10:g.(?_41201089)_(41203086_?)del

Gene: DDX3X (DEAD-box helicase 3 X-linked; plus strand). Cytogenetic location: Xp11.4.
Variant type: Deletion.
Identifiers: ClinVar variation 3246452 (VCV003246452.1).